The following is an entry in ClinVar:

ClinVar aggregate classification (germline): Likely benign. Review status: criteria provided, multiple submitters, no conflicts (2 of 4 stars). 2 submissions from 2 submitters: Likely benign (2).

Conditions:
LAMB2-related infantile-onset nephrotic syndrome. Also called: NEPHROTIC SYNDROME, TYPE 5, WITHOUT OCULAR ABNORMALITIES; NEPHROTIC SYNDROME, TYPE 5, WITH OCULAR ABNORMALITIES; Nephrotic Syndrome, type 5. Identifiers: Orphanet 306507, MedGen C3280113, MONDO:0013621, OMIM 614199.

Allele frequency attached by ClinVar (database versions not stated): 1000 Genomes Project 0.00539; gnomAD exomes 0.00718; ExAC 0.00749; TOPMed 0.00471; 1000 Genomes Project 30x 0.00484; gnomAD 0.00485 and 0.00526; ESP Exome Variant Server 0.00531.

Submissions (2):

Breakthrough Genomics
Classification: Likely benign. Review status: criteria provided, single submitter. Criteria: ACMG Guidelines, 2015. Collection method: not provided. Allele origin: germline. Inheritance: Unknown mechanism. Affected: yes.

Broad Center for Mendelian Genomics, Broad Institute of MIT and Harvard
Classification: Likely benign for LAMB2-related infantile-onset nephrotic syndrome. Review status: criteria provided, single submitter. Criteria: ACMG Guidelines, 2015. Collection method: research. Allele origin: germline. Inheritance: Autosomal dominant inheritance. Affected: yes.
Comment: The heterozygous p.Arg88Ter variant in SERPINA10 has been identified in 3 individuals with venous thromboembolic disease, including an individual with Factor V Leiden, and 1 homozygous individual with autism spectrum disorder (PMID: 15461625, 22039093, 23352160), and has been identified in >1% of South Asian chromosomes and 6 homozygotes by ExAC. A meta-analysis suggests this variant does not cause increased risk of disease (PMID: 18710385). In summary, although additional studies are required to fully establish its clinical significance, this variant meets criteria to be classified as likely benign for autosomal dominant venous thromboembolic disease.

Literature cited by the submitters: PubMed 15461625 (cited by Broad Center for Mendelian Genomics, Broad Institute of MIT and Harvard); PubMed 18710385 (cited by Broad Center for Mendelian Genomics, Broad Institute of MIT and Harvard); PubMed 22039093 (cited by Broad Center for Mendelian Genomics, Broad Institute of MIT and Harvard); PubMed 23352160 (cited by Broad Center for Mendelian Genomics, Broad Institute of MIT and Harvard).

NM_001100607.3(SERPINA10):c.262C>T (p.Arg88Ter)

Gene: SERPINA10 (serpin family A member 10; minus strand). Cytogenetic location: 14q32.13.
Variant type: single nucleotide variant.
Coding change: c.262C>T on transcript NM_001100607.3 (MANE Select); coding-DNA position 262, C replaced by T.
Protein change: p.Arg88Ter; replaces arginine 88 with a stop codon.
Molecular consequence: nonsense.
Genome position (GRCh38, 1-based): chr14:94,290,332, G>A on the plus strand (C>T on the coding strand, the complement: SERPINA10 is on the minus strand). VCF-style: chr14-94290332-G-A. GRCh37 (hg19) VCF-style: chr14-94756669-G-A.
Other names: c.262C>T, p.Arg88Ter (NM_016186.3); short protein forms R88*.
Identifiers: ClinVar variation 979156 (VCV000979156.2), dbSNP rs2232698, ClinGen allele CA7326785.